The following is an entry in ClinVar:

NM_001122764.3(PPOX):c.361C>G (p.Pro121Ala)

Gene: PPOX (protoporphyrinogen oxidase; plus strand). Cytogenetic location: 1q23.3.
Variant type: single nucleotide variant.
Coding change: c.361C>G on transcript NM_001122764.3 (MANE Select); coding-DNA position 361, C replaced by G.
Protein change: p.Pro121Ala; replaces proline 121 with alanine.
Molecular consequence: missense variant. On other transcripts: 5 prime UTR variant (4), intron variant (2).
Genome position (GRCh38, 1-based): chr1:161,168,017, C>G. VCF-style: chr1-161168017-C-G. GRCh37 (hg19) VCF-style: chr1-161137807-C-G.
Other names: c.361C>G, p.Pro121Ala (NM_000309.5, NM_001365398.1, NM_001365399.1); c.-67C>G (NM_001350129.2, NM_001365400.1); c.-126C>G (NM_001350130.2, NM_001365401.1); c.354-396C>G (NM_001350128.2); c.-34-396C>G (NM_001350131.2); short protein forms P121A.
Identifiers: ClinVar variation 2771314 (VCV002771314.3), dbSNP rs532136485, ClinGen allele CA343353271.

ClinVar aggregate classification (germline): Uncertain significance (1 of 4 stars; one submission).

Submission:

Labcorp Genetics (formerly Invitae), Labcorp
Classification: Uncertain significance. Last evaluated: 2023-10-14. Review status: criteria provided, single submitter. Criteria: Invitae Variant Classification Sherloc (09022015). Collection method: clinical testing. Allele origin: germline.
Comment: This sequence change replaces proline, which is neutral and non-polar, with alanine, which is neutral and non-polar, at codon 121 of the PPOX protein (p.Pro121Ala). This variant is not present in population databases (gnomAD no frequency). This variant has not been reported in the literature in individuals affected with PPOX-related conditions. Advanced modeling of protein sequence and biophysical properties (such as structural, functional, and spatial information, amino acid conservation, physicochemical variation, residue mobility, and thermodynamic stability) performed at Invitae indicates that this missense variant is not expected to disrupt PPOX protein function. Algorithms developed to predict the effect of sequence changes on RNA splicing suggest that this variant may create or strengthen a splice site. In summary, the available evidence is currently insufficient to determine the role of this variant in disease. Therefore, it has been classified as a Variant of Uncertain Significance.